The following is an entry in ClinVar:

NM_001374736.1(DST):c.16859T>C (p.Val5620Ala)

Gene: DST (dystonin; minus strand). Cytogenetic location: 6p12.1.
Variant type: single nucleotide variant.
Coding change: c.16859T>C on transcript NM_001374736.1 (MANE Select); coding-DNA position 16859, T replaced by C.
Protein change: p.Val5620Ala; replaces valine 5620 with alanine.
Molecular consequence: missense variant.
Genome position (GRCh38, 1-based): chr6:56,535,204, A>G on the plus strand (T>C on the coding strand, the complement: DST is on the minus strand). VCF-style: chr6-56535204-A-G. GRCh37 (hg19) VCF-style: chr6-56400002-A-G.
Other names: c.10502T>C, p.Val3501Ala (NM_001144769.5); c.10088T>C, p.Val3363Ala (NM_001144770.2); c.16859T>C, p.Val5620Ala (NM_001374722.1); c.16226T>C, p.Val5409Ala (NM_001374729.1); c.9968T>C, p.Val3323Ala (NM_001374730.1, NM_001386100.1, NM_183380.4); c.16886T>C, p.Val5629Ala (NM_001374734.1); c.8990T>C, p.Val2997Ala (NM_015548.5); short protein forms V2997A, V3323A, V3363A, V3501A, V5409A, V5620A, V5629A.
Identifiers: ClinVar variation 999938 (VCV000999938.7), dbSNP rs200036988, ClinGen allele CA3867577.

ClinVar aggregate classification (germline): Uncertain significance (1 of 4 stars; one submission).

Conditions:
Epidermolysis bullosa simplex 3, localized or generalized intermediate, with BP230 deficiency (EBS3). Also called: Epidermolysis bullosa simplex, autosomal recessive 2; Epidermolysis bullosa simplex due to BP230 deficiency. Identifiers: Orphanet 412181, MedGen C3809470, MONDO:0014180, OMIM 615425.
Hereditary sensory and autonomic neuropathy type 6. Also called: HSAN VI; Neuropathy, hereditary sensory and autonomic, type VI. Identifiers: Orphanet 314381, MedGen C3539003, MONDO:0013839, OMIM 614653.

Allele frequency attached by ClinVar (database versions not stated): TOPMed below 0.00001; gnomAD 0.00001; gnomAD exomes 0.00001 and 0.00002; ExAC 0.00002; 1000 Genomes Project 30x 0.00016; 1000 Genomes Project 0.00020.
gnomAD v4.1: 28 of 1,613,792 alleles (0.0017%); highest among the groups gnomAD compares: East Asian, 0.06%; no homozygotes.

Submission:

Labcorp Genetics (formerly Invitae), Labcorp
Classification: Uncertain significance for Epidermolysis bullosa simplex 3, localized or generalized intermediate, with BP230 deficiency; Hereditary sensory and autonomic neuropathy type 6. Last evaluated: 2021-10-16. Review status: criteria provided, single submitter. Criteria: Invitae Variant Classification Sherloc (09022015). Collection method: clinical testing. Allele origin: germline.
Comment: This variant is present in population databases (rs200036988, ExAC 0.01%). This sequence change replaces valine with alanine at codon 2997 of the DST protein (p.Val2997Ala). The DST gene has multiple clinically relevant transcripts. This variant occurs in alternate transcript NM_015548.4, and corresponds to NM_001723.5:c.*80313T>C in the primary transcript. This variant has not been reported in the literature in individuals affected with DST-related conditions. Experimental studies and prediction algorithms are not available or were not evaluated, and the functional significance of this variant is currently unknown. In summary, the available evidence is currently insufficient to determine the role of this variant in disease. Therefore, it has been classified as a Variant of Uncertain Significance.